The following is an entry in ClinVar:

NM_001109809.5(ZFP57):c.123G>C (p.Lys41Asn)

Gene: ZFP57 (ZFP57 zinc finger protein; minus strand). Cytogenetic location: 6p22.1.
Variant type: single nucleotide variant.
Coding change: c.123G>C on transcript NM_001109809.5 (MANE Select); coding-DNA position 123, G replaced by C.
Protein change: p.Lys41Asn; replaces lysine 41 with asparagine.
Molecular consequence: missense variant. On other transcripts: intron variant (1).
Genome position (GRCh38, 1-based): chr6:29,676,881, C>G on the plus strand (G>C on the coding strand, the complement: ZFP57 is on the minus strand). VCF-style: chr6-29676881-C-G. GRCh37 (hg19) VCF-style: chr6-29644658-C-G.
Other names: c.-93-822G>C (NM_001366333.2); short protein forms K41N.
Identifiers: ClinVar variation 4685806 (VCV004685806.1).

ClinVar aggregate classification (germline): Uncertain significance (1 of 4 stars; one submission).

Conditions:
Diabetes mellitus, transient neonatal, 1 (TNDM1). Also called: Diabetes Mellitus, 6q24-Related Transient Neonatal. Identifiers: Orphanet 99886, MedGen C1832386, MONDO:0011073, OMIM 601410.

Submission:

ARUP Laboratories, Molecular Genetics and Genomics, ARUP Laboratories
Classification: Uncertain significance for Diabetes mellitus, transient neonatal, 1. Last evaluated: 2025-05-08. Review status: criteria provided, single submitter. Criteria: ARUP Molecular Germline Variant Investigation Process 2024. Collection method: clinical testing. Allele origin: germline.
Comment: The ZFP57 c.123G>C; p.Lys41Asn variant (rs758850767), to our knowledge, is not reported in the literature or any gene specific databases. This variant is found in the general population with an overall allele frequency of 0.003% (8/280,756 alleles) in the Genome Aggregation Database (v2.1.1), but is considered a low confidence variant in the database. Computational analyses predict that this is a neutral missense variant (REVEL: 0.052). However, this variant is located within the minimal splice region (last base of exon), and computational analyses (Alamut Visual Plus v.1.12) predict that this variant may impact splicing by weakening the nearby canonical donor splice site. Due to limited information, the clinical significance of this variant is uncertain at this time.